The following is an entry in ClinVar:

NM_206933.4(USH2A):c.8233A>T (p.Lys2745Ter)

Gene: USH2A (usherin; minus strand). Cytogenetic location: 1q41.
Variant type: single nucleotide variant.
Coding change: c.8233A>T on transcript NM_206933.4 (MANE Select); coding-DNA position 8233, A replaced by T.
Protein change: p.Lys2745Ter; replaces lysine 2745 with a stop codon.
Molecular consequence: nonsense.
Genome position (GRCh38, 1-based): chr1:215,879,089, T>A on the plus strand (A>T on the coding strand, the complement: USH2A is on the minus strand). VCF-style: chr1-215879089-T-A. GRCh37 (hg19) VCF-style: chr1-216052431-T-A.
Other names: short protein forms K2745*.
Identifiers: ClinVar variation 1724167 (VCV001724167.2), dbSNP rs2102452018, ClinGen allele CA344832772.

ClinVar aggregate classification (germline): Likely pathogenic (1 of 4 stars; one submission).

Conditions:
Usher syndrome type 2A. Also called: RETINAL DISEASE IN USHER SYNDROME TYPE IIA, MODIFIER OF; USHER SYNDROME, TYPE IIA. Identifiers: Orphanet 231178, Orphanet 886, MedGen C1848634, MONDO:0010169, OMIM 276901.

Submission:

Myriad Genetics, Inc.
Classification: Likely pathogenic for Usher syndrome type 2A. Last evaluated: 2022-01-28. Review status: criteria provided, single submitter. Criteria: Myriad Women's Health Autosomal Recessive and X-Linked Classification Criteria (2021). Collection method: clinical testing. Allele origin: unknown.
Comment: NM_206933.2(USH2A):c.8233A>T(K2745*) is expected to be pathogenic in the context of USH2A-related disorders. This variant is predicted to lead to an abnormal or absent protein product due to the creation of a premature termination codon in USH2A, a gene where loss-of-function variants are known to be pathogenic. Please note: this variant was assessed in the context of healthy population screening.